The following is an entry in ClinVar:

ClinVar aggregate classification (germline): Likely benign (1 of 4 stars; one submission).

gnomAD v4.1: 9 of 1,613,546 alleles (0.00056%); highest among the groups gnomAD compares: Admixed American, 0.0017%; no homozygotes.

Submission:

CeGaT Center for Human Genetics Tuebingen
Classification: Likely benign. Last evaluated: 2026-04-01. Review status: criteria provided, single submitter. Criteria: CeGaT Center For Human Genetics Tuebingen Variant Classification Criteria Version 2. Collection method: clinical testing. Allele origin: germline. Affected: yes. Observed: 1 variant allele.
Comment: TTN: BP4

NM_001267550.2(TTN):c.26695G>T (p.Val8899Leu)

Gene: TTN (titin; minus strand). Cytogenetic location: 2q31.2.
Variant type: single nucleotide variant.
Coding change: c.26695G>T on transcript NM_001267550.2 (MANE Select); coding-DNA position 26695, G replaced by T.
Protein change: p.Val8899Leu; replaces valine 8899 with leucine.
Molecular consequence: missense variant. On other transcripts: intron variant (3).
Genome position (GRCh38, 1-based): chr2:178,713,963, C>A on the plus strand (G>T on the coding strand, the complement: TTN is on the minus strand). VCF-style: chr2-178713963-C-A. GRCh37 (hg19) VCF-style: chr2-179578690-C-A.
Other names: c.25744G>T, p.Val8582Leu (NM_001256850.1); c.22963G>T, p.Val7655Leu (NM_133378.4); c.13282+24119G>T (NM_003319.4); c.13858+24119G>T (NM_133437.4); c.13657+24119G>T (NM_133432.3); short protein forms V7655L, V8582L, V8899L.
Identifiers: ClinVar variation 4873326 (VCV004873326.2).